The following is an entry in ClinVar:

NM_004186.5(SEMA3F):c.141C>A (p.Phe47Leu)

Gene: SEMA3F (semaphorin 3F; plus strand). Cytogenetic location: 3p21.31.
Variant type: single nucleotide variant.
Coding change: c.141C>A on transcript NM_004186.5 (MANE Select); coding-DNA position 141, C replaced by A.
Protein change: p.Phe47Leu; replaces phenylalanine 47 with leucine.
Molecular consequence: missense variant. On other transcripts: 5 prime UTR variant (1).
Genome position (GRCh38, 1-based): chr3:50,173,821, C>A. VCF-style: chr3-50173821-C-A. GRCh37 (hg19) VCF-style: chr3-50211254-C-A.
Other names: c.141C>A (NM_004186.4); c.-64C>A (NM_001318798.2); c.141C>A, p.Phe47Leu (NM_001318800.2); short protein forms F47L.
Identifiers: ClinVar variation 2459054 (VCV002459054.3), dbSNP rs770660254, ClinGen allele CA2411649.
Genomic context (GRCh38, chr3:50,173,821, plus strand): 5'-GTCCTAATTGGTGCCCTGCCCTCCACCCACAGAGCTGAAGGCCACAGGCACCGCCCACTT[C>A]TTCAACTTCCTGCTCAACACAACCGACTACCGAATCTTGCTCAAGGACGAGGACCACGAC-3'
Protein context (NP_004177.3, residues 37-57): KELKATGTAH[Phe47Leu]FNFLLNTTDY

ClinVar aggregate classification (germline): Uncertain significance. Review status: criteria provided, multiple submitters, no conflicts (2 of 4 stars). 2 submissions from 2 submitters: Uncertain significance (2). Last evaluated 2024-12-10.

Conditions:
SEMA3F-related disorder. Also called: SEMA3F-related condition.

Allele frequency attached by ClinVar (database versions not stated): gnomAD 0.00001; TOPMed 0.00001; ExAC 0.00003.
gnomAD v4.1: 14 of 1,614,002 alleles (0.00087%); highest among the groups gnomAD compares: East Asian, 0.02%; no homozygotes.

Submissions (2):

PreventionGenetics, part of Exact Sciences
Classification: Uncertain significance for SEMA3F-related condition. Last evaluated: 2024-12-10. Review status: criteria provided, single submitter. Criteria: ACMG Guidelines, 2015. Collection method: clinical testing. Allele origin: germline.
Comment: The SEMA3F c.141C>A variant is predicted to result in the amino acid substitution p.Phe47Leu. To our knowledge, this variant has not been reported in the literature. This variant is reported in 0.035% of alleles in individuals of East Asian descent in gnomAD. At this time, the clinical significance of this variant is uncertain due to the absence of conclusive functional and genetic evidence.

Ambry Genetics
Classification: Uncertain significance. Last evaluated: 2023-02-15. Review status: criteria provided, single submitter. Criteria: Ambry Variant Classification Scheme 2023. Collection method: clinical testing. Allele origin: germline.